The following is an entry in ClinVar:

NM_000553.6(WRN):c.971C>T (p.Thr324Ile)

Gene: WRN (WRN RecQ like helicase; plus strand). Cytogenetic location: 8p12.
Variant type: single nucleotide variant.
Coding change: c.971C>T on transcript NM_000553.6 (MANE Select); coding-DNA position 971, C replaced by T.
Protein change: p.Thr324Ile; replaces threonine 324 with isoleucine.
Molecular consequence: missense variant.
Genome position (GRCh38, 1-based): chr8:31,080,998, C>T. VCF-style: chr8-31080998-C-T. GRCh37 (hg19) VCF-style: chr8-30938514-C-T.
Other names: short protein forms T324I.
Identifiers: ClinVar variation 2817478 (VCV002817478.3), dbSNP rs2535910161, ClinGen allele CA370920078.
Genomic context (GRCh38, chr8:31,080,998, plus strand): 5'-ACATTGAGACTGAACTGAGGCCCAGCAATAATTTAAACTTATTATCCTTTGAAGATTCAA[C>T]TACTGGGGGAGTACAACAGAAACAAATTAGAGAACATGAAGTTTTAATTCACGTTGAAGA-3'
Protein context (NP_000544.2, residues 314-334): NLNLLSFEDS[Thr324Ile]TGGVQQKQIR

ClinVar aggregate classification (germline): Uncertain significance (1 of 4 stars; one submission).

Conditions:
Werner syndrome (WRN). Identifiers: Orphanet 902, MedGen C0043119, MONDO:0010196, OMIM 277700.

Submission:

Labcorp Genetics (formerly Invitae), Labcorp
Classification: Uncertain significance for Werner syndrome. Last evaluated: 2022-11-29. Review status: criteria provided, single submitter. Criteria: Invitae Variant Classification Sherloc (09022015). Collection method: clinical testing. Allele origin: germline.
Comment: In summary, the available evidence is currently insufficient to determine the role of this variant in disease. Therefore, it has been classified as a Variant of Uncertain Significance. Algorithms developed to predict the effect of missense changes on protein structure and function are either unavailable or do not agree on the potential impact of this missense change (SIFT: "Not Available"; PolyPhen-2: "Benign"; Align-GVGD: "Not Available"). This variant has not been reported in the literature in individuals affected with WRN-related conditions. This variant is not present in population databases (gnomAD no frequency). This sequence change replaces threonine, which is neutral and polar, with isoleucine, which is neutral and non-polar, at codon 324 of the WRN protein (p.Thr324Ile).